The following is an entry in ClinVar:

ClinVar aggregate classification (germline): Uncertain significance. Review status: criteria provided, multiple submitters, no conflicts (2 of 4 stars). 2 submissions from 2 submitters: Uncertain significance (2). Last evaluated 2023-06-22.

Allele frequency attached by ClinVar (database versions not stated): gnomAD exomes 0.00001.
gnomAD v4.1: 16 of 1,603,026 alleles (0.001%); highest among the groups gnomAD compares: South Asian, 0.0089%; no homozygotes.

Submissions (2):

Ambry Genetics
Classification: Uncertain significance. Last evaluated: 2023-06-22. Review status: criteria provided, single submitter. Criteria: Ambry Variant Classification Scheme 2023. Collection method: clinical testing. Allele origin: germline.

Labcorp Genetics (formerly Invitae), Labcorp
Classification: Uncertain significance. Last evaluated: 2023-02-08. Review status: criteria provided, single submitter. Criteria: Invitae Variant Classification Sherloc (09022015). Collection method: clinical testing. Allele origin: germline.
Comment: This variant is present in population databases (no rsID available, gnomAD 0.003%). This sequence change replaces proline, which is neutral and non-polar, with arginine, which is basic and polar, at codon 179 of the IMPG1 protein (p.Pro179Arg). This variant has not been reported in the literature in individuals affected with IMPG1-related conditions. Algorithms developed to predict the effect of missense changes on protein structure and function are either unavailable or do not agree on the potential impact of this missense change (SIFT: "Deleterious"; PolyPhen-2: "Possibly Damaging"; Align-GVGD: "Class C0"). In summary, the available evidence is currently insufficient to determine the role of this variant in disease. Therefore, it has been classified as a Variant of Uncertain Significance.

NM_001563.4(IMPG1):c.536C>G (p.Pro179Arg)

Gene: IMPG1 (interphotoreceptor matrix proteoglycan 1; minus strand). Cytogenetic location: 6q14.1.
Variant type: single nucleotide variant.
Coding change: c.536C>G on transcript NM_001563.4 (MANE Select); coding-DNA position 536, C replaced by G.
Protein change: p.Pro179Arg; replaces proline 179 with arginine.
Molecular consequence: missense variant.
Genome position (GRCh38, 1-based): chr6:76,025,220, G>C on the plus strand (C>G on the coding strand, the complement: IMPG1 is on the minus strand). VCF-style: chr6-76025220-G-C. GRCh37 (hg19) VCF-style: chr6-76734937-G-C.
Other names: c.302C>G, p.Pro101Arg (NM_001282368.2); short protein forms P101R, P179R.
Identifiers: ClinVar variation 2605687 (VCV002605687.5), dbSNP rs1247522689, ClinGen allele CA364780118.